The following is an entry in ClinVar:

ClinVar aggregate classification (germline): Uncertain significance (1 of 4 stars; one submission).

Submission:

Labcorp Genetics (formerly Invitae), Labcorp
Classification: Uncertain significance. Last evaluated: 2022-03-25. Review status: criteria provided, single submitter. Criteria: Invitae Variant Classification Sherloc (09022015). Collection method: clinical testing. Allele origin: germline.
Comment: In summary, the available evidence is currently insufficient to determine the role of this variant in disease. Therefore, it has been classified as a Variant of Uncertain Significance. This variant has not been reported in the literature in individuals affected with XPR1-related conditions. This variant is a gross deletion of the genomic region encompassing exon(s) 8-9 of the XPR1 gene. This deletion is out-of-frame, and is expected to create a premature translational stop signal and result in an absent or disrupted protein product. However, the current clinical and genetic evidence is not sufficient to establish whether loss-of-function variants in XPR1 cause disease.

NC_000001.10:g.(?_180793869)_(180794500_?)del

Gene: XPR1 (xenotropic and polytropic retrovirus receptor 1; plus strand). Cytogenetic location: 1q25.3.
Variant type: Deletion.
Identifiers: ClinVar variation 2425213 (VCV002425213.4).